The following is an entry in ClinVar:

NM_001849.4(COL6A2):c.2782A>C (p.Ile928Leu)

Gene: COL6A2 (collagen type VI alpha 2 chain; plus strand). Cytogenetic location: 21q22.3.
Variant type: single nucleotide variant.
Coding change: c.2782A>C on transcript NM_001849.4 (MANE Select); coding-DNA position 2782, A replaced by C.
Protein change: p.Ile928Leu; replaces isoleucine 928 with leucine.
Molecular consequence: missense variant.
Genome position (GRCh38, 1-based): chr21:46,132,274, A>C. VCF-style: chr21-46132274-A-C. GRCh37 (hg19) VCF-style: chr21-47552188-A-C.
Other names: short protein forms I928L.
Identifiers: ClinVar variation 949907 (VCV000949907.10), dbSNP rs1426096612, ClinGen allele CA410549665.
Genomic context (GRCh38, chr21:46,132,274, plus strand): 5'-ACACAATACCTGAACTCCTTCTCGCACGTGGGCGCAGGCGTGGTGCACGCCATCAATGCC[A>C]TCGTGCGCAGCCCGCGTGGCGGGGCCCGGAGGCACGCAGAGCTGTCCTTCGTGTTCCTCA-3'
Protein context (NP_001840.3, residues 918-938): GAGVVHAINA[Ile928Leu]VRSPRGGARR

ClinVar aggregate classification (germline): Uncertain significance (1 of 4 stars; one submission).

Conditions:
Bethlem myopathy 1A. Also called: Bethlem Muscular Dystrophy; MYOPATHY, BENIGN CONGENITAL, WITH CONTRACTURES; Bethlem myopathy 1. Identifiers: Orphanet 610, MedGen CN029274, MONDO:0024530, OMIM 158810.

gnomAD v4.1: 1 of 1,606,824 alleles (0.000062%); highest among the groups gnomAD compares: Non-Finnish European, 0.000085%; no homozygotes.

Submission:

Labcorp Genetics (formerly Invitae), Labcorp
Classification: Uncertain significance for Bethlem myopathy 1A. Last evaluated: 2022-09-19. Review status: criteria provided, single submitter. Criteria: Invitae Variant Classification Sherloc (09022015). Collection method: clinical testing. Allele origin: germline.
Comment: In summary, the available evidence is currently insufficient to determine the role of this variant in disease. Therefore, it has been classified as a Variant of Uncertain Significance. Advanced modeling of protein sequence and biophysical properties (such as structural, functional, and spatial information, amino acid conservation, physicochemical variation, residue mobility, and thermodynamic stability) performed at Invitae indicates that this missense variant is not expected to disrupt COL6A2 protein function. ClinVar contains an entry for this variant (Variation ID: 949907). This variant has not been reported in the literature in individuals affected with COL6A2-related conditions. This variant is not present in population databases (gnomAD no frequency). This sequence change replaces isoleucine, which is neutral and non-polar, with leucine, which is neutral and non-polar, at codon 928 of the COL6A2 protein (p.Ile928Leu).